The following is an entry in ClinVar:

ClinVar aggregate classification (germline): Conflicting classifications of pathogenicity. Review status: criteria provided, conflicting classifications (1 of 4 stars). 7 submissions from 7 submitters: Uncertain significance (2); Likely benign (5). Last evaluated 2026-01-12.

Conditions:
MYH6-related disorder. Also called: MYH6-related condition; MYH6-Related Disorders.
Cardiovascular phenotype. Identifiers: MedGen CN230736.
Atrial septal defect 3 (ASD3). Identifiers: Orphanet 1478, MedGen C3279790, MONDO:0013567, OMIM 614089.
Hypertrophic cardiomyopathy 1 (CMH1). Also called: MYH7-Related Familial Hypertrophic Cardiomyopathy; Familial hypertrophic cardiomyopathy 1. Identifiers: MedGen C3495498, MONDO:0008647, OMIM 192600.
Dilated cardiomyopathy 1EE (CMD1EE). Identifiers: Orphanet 154, MedGen C2750466, MONDO:0013198, OMIM 613252.
Sick sinus syndrome 3, susceptibility to (SSS3). Identifiers: Orphanet 166282, MedGen C3279791, MONDO:0013568, OMIM 614090.
Hypertrophic cardiomyopathy 14. Identifiers: MedGen C2750467, MONDO:0013197, OMIM 613251.

Allele frequency attached by ClinVar (database versions not stated): ExAC 0.00009; gnomAD exomes 0.00011 and 0.00012; gnomAD 0.00012 and 0.00013; TOPMed 0.00016; ESP Exome Variant Server 0.00023.
gnomAD v4.1: 183 of 1,614,118 alleles (0.011%); highest among the groups gnomAD compares: African/African-American, 0.016%; 1 homozygote.

Submissions (7):

Labcorp Genetics (formerly Invitae), Labcorp
Classification: Likely benign for Hypertrophic cardiomyopathy 14. Last evaluated: 2026-01-12. Review status: criteria provided, single submitter. Criteria: Invitae Variant Classification Sherloc (09022015). Collection method: clinical testing. Allele origin: germline.

PreventionGenetics, part of Exact Sciences
Classification: Likely benign for MYH6-related condition. Last evaluated: 2025-09-05. Review status: criteria provided, single submitter. Criteria: ACMG Guidelines, 2015. Collection method: clinical testing. Allele origin: germline.
Comment: This variant is classified as likely benign based on ACMG/AMP sequence variant interpretation guidelines (Richards et al. 2015 PMID: 25741868, with internal and published modifications).

Blueprint Genetics
Classification: Likely benign. Last evaluated: 2024-10-18. Review status: criteria provided, single submitter. Criteria: ACMG Guidelines, 2015. Collection method: clinical testing. Allele origin: germline.

Ambry Genetics
Classification: Likely benign for Cardiovascular phenotype. Last evaluated: 2021-08-27. Review status: criteria provided, single submitter. Criteria: Ambry Variant Classification Scheme 2023. Collection method: clinical testing. Allele origin: germline.

GeneDx
Classification: Likely benign. Last evaluated: 2020-06-16. Review status: criteria provided, single submitter. Criteria: GeneDx Variant Classification Process June 2021. Collection method: clinical testing. Allele origin: germline. Affected: yes.
Comment: This variant is associated with the following publications: (PMID: 31983221, 23861362)

Fulgent Genetics
Classification: Uncertain significance for Hypertrophic cardiomyopathy 1; Hypertrophic cardiomyopathy 14; Dilated cardiomyopathy 1EE; Atrial septal defect 3; Sick sinus syndrome 3, susceptibility to. Last evaluated: 2018-10-31. Review status: criteria provided, single submitter. Criteria: ACMG Guidelines, 2015. Collection method: clinical testing. Allele origin: unknown.

Biesecker Lab/Clinical Genomics Section, National Institutes of Health
Classification: Uncertain significance. Last evaluated: 2013-06-24. Review status: criteria provided, single submitter. Criteria: Ng et al. (Circ Cardiovasc Genet. 2013). Collection method: research. Allele origin: unknown. Observed: 1 variant allele. Study: ClinSeq.
Comment: The study set was not selected for affection status in relation to any cancer. Pathogenicity categories were based on literature curation. See Pubmed ID:23861362 for details.

Medical sequencing

Literature cited by the submitters: PubMed 23861362 (cited by Ambry Genetics); PubMed 28087566 (cited by Ambry Genetics); PubMed 29582157 (cited by Ambry Genetics); PubMed 31983221 (cited by Ambry Genetics).

NM_002471.4(MYH6):c.115G>A (p.Val39Met)

Genes: MYH6 (myosin heavy chain 6; minus strand), LOC114827851 (VISTA enhancer hs2155; plus strand). Cytogenetic location: 14q11.2.
Variant type: single nucleotide variant.
Coding change: c.115G>A on transcript NM_002471.4 (MANE Select); coding-DNA position 115, G replaced by A.
Protein change: p.Val39Met; replaces valine 39 with methionine.
Molecular consequence: missense variant.
Genome position (GRCh38, 1-based): chr14:23,407,109, C>T on the plus strand (G>A on the coding strand, the complement: MYH6 is on the minus strand). VCF-style: chr14-23407109-C-T. GRCh37 (hg19) VCF-style: chr14-23876318-C-T.
Other names: short protein forms V39M.
Identifiers: ClinVar variation 191724 (VCV000191724.20), dbSNP rs142850511, ClinGen allele CA237379.